The following is an entry in ClinVar:

NM_001145809.2(MYH14):c.2381T>A (p.Ile794Asn)

Gene: MYH14 (myosin heavy chain 14; plus strand). Cytogenetic location: 19q13.33.
Variant type: single nucleotide variant.
Coding change: c.2381T>A on transcript NM_001145809.2 (MANE Select); coding-DNA position 2381, T replaced by A.
Protein change: p.Ile794Asn; replaces isoleucine 794 with asparagine.
Molecular consequence: missense variant.
Genome position (GRCh38, 1-based): chr19:50,260,672, T>A. VCF-style: chr19-50260672-T-A. GRCh37 (hg19) VCF-style: chr19-50763929-T-A.
Other names: c.2282T>A, p.Ile761Asn (NM_001077186.2); c.2258T>A, p.Ile753Asn (NM_024729.4); short protein forms I753N, I761N, I794N.
Identifiers: ClinVar variation 1335837 (VCV001335837.5), dbSNP rs767521890, ClinGen allele CA9592882.

ClinVar aggregate classification (germline): Uncertain significance. Review status: criteria provided, multiple submitters, no conflicts (2 of 4 stars). 2 submissions from 2 submitters: Uncertain significance (2). Last evaluated 2023-04-22.

Allele frequency attached by ClinVar (database versions not stated): gnomAD exomes below 0.00001; ExAC 0.00001; gnomAD 0.00002; TOPMed 0.00002.
gnomAD v4.1: 3 of 1,612,926 alleles (0.00019%); highest among the groups gnomAD compares: African/African-American, 0.004%; no homozygotes.

Submissions (2):

Labcorp Genetics (formerly Invitae), Labcorp
Classification: Uncertain significance. Last evaluated: 2023-04-22. Review status: criteria provided, single submitter. Criteria: Invitae Variant Classification Sherloc (09022015). Collection method: clinical testing. Allele origin: germline.
Comment: This variant has not been reported in the literature in individuals affected with MYH14-related conditions. This sequence change replaces isoleucine, which is neutral and non-polar, with asparagine, which is neutral and polar, at codon 753 of the MYH14 protein (p.Ile753Asn). This variant is present in population databases (rs767521890, gnomAD 0.007%). ClinVar contains an entry for this variant (Variation ID: 1335837). Advanced modeling of protein sequence and biophysical properties (such as structural, functional, and spatial information, amino acid conservation, physicochemical variation, residue mobility, and thermodynamic stability) performed at Invitae indicates that this missense variant is expected to disrupt MYH14 protein function. In summary, the available evidence is currently insufficient to determine the role of this variant in disease. Therefore, it has been classified as a Variant of Uncertain Significance.

GeneDx
Classification: Uncertain significance. Last evaluated: 2022-01-13. Review status: criteria provided, single submitter. Criteria: GeneDx Variant Classification Process June 2021. Collection method: clinical testing. Allele origin: germline. Affected: yes.
Comment: Not observed at a significant frequency in large population cohorts (gnomAD); In silico analysis supports that this missense variant has a deleterious effect on protein structure/function; Has not been previously published as pathogenic or benign to our knowledge